The following is an entry in ClinVar:

ClinVar aggregate classification (germline): Conflicting classifications of pathogenicity. Review status: criteria provided, conflicting classifications (1 of 4 stars). 3 submissions from 3 submitters: Uncertain significance (1); Likely benign (2). Last evaluated 2024-11-25.

Conditions:
PHIP-related disorder. Also called: PHIP-related condition; PHIP-related disorders.

Allele frequency attached by ClinVar (database versions not stated): gnomAD 0.00001; TOPMed 0.00002.
gnomAD v4.1: 10 of 1,613,788 alleles (0.00062%); highest among the groups gnomAD compares: Middle Eastern, 0.016%; no homozygotes.

Submissions (3):

PreventionGenetics, part of Exact Sciences
Classification: Likely benign for PHIP-related condition. Last evaluated: 2024-11-25. Review status: criteria provided, single submitter. Criteria: ACMG Guidelines, 2015. Collection method: clinical testing. Allele origin: germline.
Comment: This variant is classified as likely benign based on ACMG/AMP sequence variant interpretation guidelines (Richards et al. 2015 PMID: 25741868, with internal and published modifications).

Labcorp Genetics (formerly Invitae), Labcorp
Classification: Likely benign. Last evaluated: 2024-02-05. Review status: criteria provided, single submitter. Criteria: Invitae Variant Classification Sherloc (09022015). Collection method: clinical testing. Allele origin: germline.

GeneDx
Classification: Uncertain significance. Last evaluated: 2019-08-12. Review status: criteria provided, single submitter. Criteria: GeneDx Variant Classification Process June 2021. Collection method: clinical testing. Allele origin: germline. Affected: yes.
Comment: Has not been previously published as pathogenic or benign to our knowledge; In silico analysis, which includes splice predictors and evolutionary conservation, suggests this variant may impact gene splicing. In the absence of RNA/functional studies, the actual effect of this sequence change is unknown.

NM_017934.7(PHIP):c.4941T>A (p.Val1647=)

Genes: IRAK1BP1 (interleukin 1 receptor associated kinase 1 binding protein 1; plus strand), PHIP (PHIP subunit of CUL4-Ring ligase complex; minus strand). Cytogenetic location: 6q14.1.
Variant type: single nucleotide variant.
Coding change: c.4941T>A on transcript NM_017934.7 (MANE Select); coding-DNA position 4941, T replaced by A.
Protein change: p.Val1647=; no amino-acid change (valine 1647 retained).
Molecular consequence: synonymous variant.
Genome position (GRCh38, 1-based): chr6:78,941,218, A>T on the plus strand (T>A on the coding strand, the complement: PHIP is on the minus strand). VCF-style: chr6-78941218-A-T. GRCh37 (hg19) VCF-style: chr6-79650935-A-T.
Other names: c.4941T>A (NM_017934.6).
Identifiers: ClinVar variation 794565 (VCV000794565.10), dbSNP rs1369466541, ClinGen allele CA451006791.